The following is an entry in ClinVar:

NM_000057.4(BLM):c.452T>A (p.Ile151Asn)

Gene: BLM (BLM RecQ like helicase; plus strand). Cytogenetic location: 15q26.1.
Variant type: single nucleotide variant.
Coding change: c.452T>A on transcript NM_000057.4 (MANE Select); coding-DNA position 452, T replaced by A.
Protein change: p.Ile151Asn; replaces isoleucine 151 with asparagine.
Molecular consequence: missense variant. On other transcripts: 5 prime UTR variant (1).
Genome position (GRCh38, 1-based): chr15:90,749,720, T>A. VCF-style: chr15-90749720-T-A. GRCh37 (hg19) VCF-style: chr15-91292950-T-A.
Other names: c.452T>A, p.Ile151Asn (NM_001287246.2, NM_001287247.2); c.-840T>A (NM_001287248.2); short protein forms I151N.
Identifiers: ClinVar variation 1383104 (VCV001383104.8), dbSNP rs2151147375, ClinGen allele CA393840781.

ClinVar aggregate classification (germline): Uncertain significance (1 of 4 stars; one submission).

Conditions:
Bloom syndrome (BLM). Also called: Bloom-Torre-Machacek syndrome. Identifiers: Orphanet 125, MedGen C0005859, MONDO:0008876, OMIM 210900.

Submission:

Labcorp Genetics (formerly Invitae), Labcorp
Classification: Uncertain significance for Bloom syndrome. Last evaluated: 2023-04-28. Review status: criteria provided, single submitter. Criteria: Invitae Variant Classification Sherloc (09022015). Collection method: clinical testing. Allele origin: germline.
Comment: An algorithm developed to predict the effect of missense changes on protein structure and function (PolyPhen-2) suggests that this variant is likely to be tolerated. In summary, the available evidence is currently insufficient to determine the role of this variant in disease. Therefore, it has been classified as a Variant of Uncertain Significance. ClinVar contains an entry for this variant (Variation ID: 1383104). This variant has not been reported in the literature in individuals affected with BLM-related conditions. This variant is not present in population databases (gnomAD no frequency). This sequence change replaces isoleucine, which is neutral and non-polar, with asparagine, which is neutral and polar, at codon 151 of the BLM protein (p.Ile151Asn).